The following is an entry in ClinVar:

NM_004260.4(RECQL4):c.1841C>T (p.Ser614Phe)

Gene: RECQL4 (RecQ like helicase 4; minus strand). Cytogenetic location: 8q24.3.
Variant type: single nucleotide variant.
Coding change: c.1841C>T on transcript NM_004260.4 (MANE Select); coding-DNA position 1841, C replaced by T.
Protein change: p.Ser614Phe; replaces serine 614 with phenylalanine.
Molecular consequence: missense variant.
Genome position (GRCh38, 1-based): chr8:144,514,226, G>A on the plus strand (C>T on the coding strand, the complement: RECQL4 is on the minus strand). VCF-style: chr8-144514226-G-A. GRCh37 (hg19) VCF-style: chr8-145739610-G-A.
Other names: short protein forms S614F.
Identifiers: ClinVar variation 951248 (VCV000951248.7), dbSNP rs1462959391, ClinGen allele CA372680683.

ClinVar aggregate classification (germline): Uncertain significance. Review status: criteria provided, multiple submitters, no conflicts (2 of 4 stars). 2 submissions from 2 submitters: Uncertain significance (2). Last evaluated 2025-01-27.

Conditions:
Inborn genetic diseases. Identifiers: MedGen C0950123, MeSH D030342.
Baller-Gerold syndrome (BGS). Also called: CRANIOSYNOSTOSIS WITH RADIAL DEFECTS. Identifiers: Orphanet 1225, MedGen C0265308, MONDO:0009039, OMIM 218600.

Allele frequency attached by ClinVar (database versions not stated): gnomAD exomes below 0.00001 and 0.00001; gnomAD 0.00001.
gnomAD v4.1: 5 of 1,612,224 alleles (0.00031%); highest among the groups gnomAD compares: South Asian, 0.0022%; no homozygotes.

Submissions (2):

Ambry Genetics
Classification: Uncertain significance for Inborn genetic diseases. Last evaluated: 2025-01-27. Review status: criteria provided, single submitter. Criteria: Ambry Variant Classification Scheme 2023. Collection method: clinical testing. Allele origin: germline.
Comment: The p.S614F variant (also known as c.1841C>T), located in coding exon 11 of the RECQL4 gene, results from a C to T substitution at nucleotide position 1841. The serine at codon 614 is replaced by phenylalanine, an amino acid with highly dissimilar properties. This amino acid position is conserved. In addition, this alteration is predicted to be deleterious by in silico analysis. Based on the available evidence, the clinical significance of this variant remains unclear.

Labcorp Genetics (formerly Invitae), Labcorp
Classification: Uncertain significance for Baller-Gerold syndrome. Last evaluated: 2023-09-06. Review status: criteria provided, single submitter. Criteria: Invitae Variant Classification Sherloc (09022015). Collection method: clinical testing. Allele origin: germline.
Comment: This sequence change replaces serine, which is neutral and polar, with phenylalanine, which is neutral and non-polar, at codon 614 of the RECQL4 protein (p.Ser614Phe). This variant is present in population databases (no rsID available, gnomAD 0.004%). This variant has not been reported in the literature in individuals affected with RECQL4-related conditions. ClinVar contains an entry for this variant (Variation ID: 951248). Advanced modeling of protein sequence and biophysical properties (such as structural, functional, and spatial information, amino acid conservation, physicochemical variation, residue mobility, and thermodynamic stability) performed at Invitae indicates that this missense variant is expected to disrupt RECQL4 protein function. In summary, the available evidence is currently insufficient to determine the role of this variant in disease. Therefore, it has been classified as a Variant of Uncertain Significance.